The following is an entry in ClinVar:

ClinVar aggregate classification (germline): Uncertain significance. Review status: criteria provided, multiple submitters, no conflicts (2 of 4 stars). 2 submissions from 2 submitters: Uncertain significance (2). Last evaluated 2022-11-15.

Conditions:
Muscular dystrophy-dystroglycanopathy (congenital with brain and eye anomalies), type a, 11 (MDDGA11). Also called: Muscular dystrophy-dystroglycanopathy (congenital with brain and eye anomalies, type A, 11; WALKER-WARBURG SYNDROME OR MUSCLE-EYE-BRAIN DISEASE, B3GALNT2-RELATED; Congenital muscular dystrophy-dystroglycanopathy with brain and eye anomalies, type A11. Identifiers: Orphanet 588, Orphanet 899, MedGen C3554638, MONDO:0014071, OMIM 615181.

Allele frequency attached by ClinVar (database versions not stated): TOPMed below 0.00001; ExAC 0.00001; gnomAD 0.00001; gnomAD exomes 0.00001 and 0.00002.

Submissions (2):

Labcorp Genetics (formerly Invitae), Labcorp
Classification: Uncertain significance for Muscular dystrophy-dystroglycanopathy (congenital with brain and eye anomalies), type a, 11. Last evaluated: 2022-11-15. Review status: criteria provided, single submitter. Criteria: Invitae Variant Classification Sherloc (09022015). Collection method: clinical testing. Allele origin: germline.
Comment: This variant is present in population databases (rs771483345, gnomAD 0.01%). This variant has not been reported in the literature in individuals affected with B3GALNT2-related conditions. ClinVar contains an entry for this variant (Variation ID: 1414834). Advanced modeling of protein sequence and biophysical properties (such as structural, functional, and spatial information, amino acid conservation, physicochemical variation, residue mobility, and thermodynamic stability) has been performed at Invitae for this missense variant, however the output from this modeling did not meet the statistical confidence thresholds required to predict the impact of this variant on B3GALNT2 protein function. In summary, the available evidence is currently insufficient to determine the role of this variant in disease. Therefore, it has been classified as a Variant of Uncertain Significance. This sequence change replaces arginine, which is basic and polar, with histidine, which is basic and polar, at codon 330 of the B3GALNT2 protein (p.Arg330His).

Revvity Omics, Revvity
Classification: Uncertain significance for Muscular dystrophy-dystroglycanopathy (congenital with brain and eye anomalies), type a, 11. Last evaluated: 2019-08-16. Review status: criteria provided, single submitter. Criteria: ACMG Guidelines, 2015. Collection method: clinical testing. Allele origin: germline.

NM_152490.5(B3GALNT2):c.989G>A (p.Arg330His)

Gene: B3GALNT2 (beta-1,3-N-acetylgalactosaminyltransferase 2; minus strand). Cytogenetic location: 1q42.3.
Variant type: single nucleotide variant.
Coding change: c.989G>A on transcript NM_152490.5 (MANE Select); coding-DNA position 989, G replaced by A.
Protein change: p.Arg330His; replaces arginine 330 with histidine.
Molecular consequence: missense variant.
Genome position (GRCh38, 1-based): chr1:235,458,639, C>T on the plus strand (G>A on the coding strand, the complement: B3GALNT2 is on the minus strand). VCF-style: chr1-235458639-C-T. GRCh37 (hg19) VCF-style: chr1-235621947-C-T.
Other names: short protein forms R330H.
Identifiers: ClinVar variation 1414834 (VCV001414834.8), dbSNP rs771483345, ClinGen allele CA1464733.